The following is an entry in ClinVar:

NM_182692.3(SRPK2):c.1743G>A (p.Thr581=)

Gene: SRPK2 (SRSF protein kinase 2; minus strand). Cytogenetic location: 7q22.3.
Variant type: single nucleotide variant.
Coding change: c.1743G>A on transcript NM_182692.3 (MANE Select); coding-DNA position 1743, G replaced by A.
Protein change: p.Thr581=; no amino-acid change (threonine 581 retained).
Molecular consequence: synonymous variant.
Genome position (GRCh38, 1-based): chr7:105,132,800, C>T on the plus strand (G>A on the coding strand, the complement: SRPK2 is on the minus strand). VCF-style: chr7-105132800-C-T. GRCh37 (hg19) VCF-style: chr7-104773247-C-T.
Other names: c.1710G>A, p.Thr570= (NM_001278273.2, NM_001350738.2, NM_001350739.2 and 3 more transcripts); c.1854G>A, p.Thr618= (NM_001350740.2); c.1743G>A, p.Thr581= (NM_001350741.2); c.1821G>A, p.Thr607= (NM_001350742.2, NM_001350746.2); c.1572G>A, p.Thr524= (NM_001350745.2).
Identifiers: ClinVar variation 3039998 (VCV003039998.2), dbSNP rs758052569, ClinGen allele CA4425162.

ClinVar aggregate classification (germline): Likely benign (0 of 4 stars; one submission).

Conditions:
SRPK2-related disorder. Also called: SRPK2-related condition.

Allele frequency attached by ClinVar (database versions not stated): gnomAD exomes below 0.00001; gnomAD 0.00003; TOPMed 0.00003; ExAC 0.00004.
gnomAD v4.1: 14 of 1,607,570 alleles (0.00087%); highest among the groups gnomAD compares: East Asian, 0.0067%; no homozygotes.

Submission:

PreventionGenetics, part of Exact Sciences
Classification: Likely benign for SRPK2-related condition. Last evaluated: 2019-12-26. Review status: no assertion criteria provided. Collection method: clinical testing. Allele origin: germline.
Comment: This variant is classified as likely benign based on ACMG/AMP sequence variant interpretation guidelines (Richards et al. 2015 PMID: 25741868, with internal and published modifications).